The following is an entry in ClinVar:

NM_005932.4(MIPEP):c.15A>C (p.Gly5=)

Genes: MIPEP (mitochondrial intermediate peptidase; minus strand), PCOTH (prostate and testis expressed opposite C1QTNF9B and MIPEP; plus strand). Cytogenetic location: 13q12.12.
Variant type: single nucleotide variant.
Coding change: c.15A>C on transcript NM_005932.4 (MANE Select); coding-DNA position 15, A replaced by C.
Protein change: p.Gly5=; no amino-acid change (glycine 5 retained).
Molecular consequence: synonymous variant.
Genome position (GRCh38, 1-based): chr13:23,889,306, T>G on the plus strand (A>C on the coding strand, the complement: MIPEP is on the minus strand). VCF-style: chr13-23889306-T-G. GRCh37 (hg19) VCF-style: chr13-24463445-T-G.
Other names: c.15A>C (NM_005932.3).
Identifiers: ClinVar variation 2715262 (VCV002715262.5), dbSNP rs529724668, ClinGen allele CA6913450.

ClinVar aggregate classification (germline): Likely benign. Review status: criteria provided, single submitter (1 of 4 stars). 2 submissions from 2 submitters: Likely benign (1). 1 of the submissions does not count toward it. Last evaluated 2023-12-05.

Conditions:
MIPEP-related disorder. Also called: MIPEP-related condition.

Allele frequency attached by ClinVar (database versions not stated): 1000 Genomes Project 30x 0.00031; 1000 Genomes Project 0.00040.
gnomAD v4.1: 265 of 1,349,776 alleles (0.02%); highest among the groups gnomAD compares: Middle Eastern, 0.043%; 1 homozygote.

Submissions (2):

Labcorp Genetics (formerly Invitae), Labcorp
Classification: Likely benign. Last evaluated: 2023-12-05. Review status: criteria provided, single submitter. Criteria: Invitae Variant Classification Sherloc (09022015). Collection method: clinical testing. Allele origin: germline.

PreventionGenetics, part of Exact Sciences
Classification: Likely benign for MIPEP-related condition. Last evaluated: 2022-07-25. Review status: no assertion criteria provided. Collection method: clinical testing. Allele origin: germline. Not counted in ClinVar's aggregate classification.
Comment: This variant is classified as likely benign based on ACMG/AMP sequence variant interpretation guidelines (Richards et al. 2015 PMID: 25741868, with internal and published modifications).